The following is an entry in ClinVar:

NM_000748.3(CHRNB2):c.997C>A (p.Pro333Thr)

Gene: CHRNB2 (cholinergic receptor nicotinic beta 2 subunit; plus strand). Cytogenetic location: 1q21.3.
Variant type: single nucleotide variant.
Coding change: c.997C>A on transcript NM_000748.3 (MANE Select); coding-DNA position 997, C replaced by A.
Protein change: p.Pro333Thr; replaces proline 333 with threonine.
Molecular consequence: missense variant.
Genome position (GRCh38, 1-based): chr1:154,571,820, C>A. VCF-style: chr1-154571820-C-A. GRCh37 (hg19) VCF-style: chr1-154544296-C-A.
Other names: short protein forms P333T.
Identifiers: ClinVar variation 5040193 (VCV005040193.1).

ClinVar aggregate classification (germline): Uncertain significance (1 of 4 stars; one submission).

Submission:

CeGaT Center for Human Genetics Tuebingen
Classification: Uncertain significance. Last evaluated: 2026-07-01. Review status: criteria provided, single submitter. Criteria: CeGaT Center For Human Genetics Tuebingen Variant Classification Criteria Version 2. Collection method: clinical testing. Allele origin: germline. Affected: yes. Observed: 1 variant allele.
Comment: CHRNB2: PM2